The following is an entry in ClinVar:

NM_030962.4(SBF2):c.1930A>C (p.Lys644Gln)

Genes: SBF2 (SET binding factor 2; minus strand), LOC101928008 (uncharacterized LOC101928008; plus strand). Cytogenetic location: 11p15.4.
Variant type: single nucleotide variant.
Coding change: c.1930A>C on transcript NM_030962.4 (MANE Select); coding-DNA position 1930, A replaced by C.
Protein change: p.Lys644Gln; replaces lysine 644 with glutamine.
Molecular consequence: missense variant.
Genome position (GRCh38, 1-based): chr11:9,858,396, T>G on the plus strand (A>C on the coding strand, the complement: SBF2 is on the minus strand). VCF-style: chr11-9858396-T-G. GRCh37 (hg19) VCF-style: chr11-9879943-T-G.
Other names: c.1930A>C, p.Lys644Gln (NM_001386339.1); c.1801A>C, p.Lys601Gln (NM_001386342.1); c.1966A>C, p.Lys656Gln (NM_001424318.1, NM_001425069.1, NM_001425070.1); short protein forms K601Q, K644Q, K656Q.
Identifiers: ClinVar variation 4805335 (VCV004805335.1).

ClinVar aggregate classification (germline): Uncertain significance (1 of 4 stars; one submission).

Conditions:
Charcot-Marie-Tooth disease type 4. Also called: Charcot-Marie-Tooth disease, type IV; Charcot-Marie-Tooth, Type 4. Identifiers: Orphanet 64749, MedGen C4082197, MONDO:0018995.

Submission:

Labcorp Genetics (formerly Invitae), Labcorp
Classification: Uncertain significance for Charcot-Marie-Tooth disease type 4. Last evaluated: 2025-12-21. Review status: criteria provided, single submitter. Criteria: Invitae Variant Classification Sherloc (09022015). Collection method: clinical testing. Allele origin: germline.
Comment: This sequence change replaces lysine, which is basic and polar, with glutamine, which is neutral and polar, at codon 644 of the SBF2 protein (p.Lys644Gln). This variant is not present in population databases (gnomAD no frequency). This variant has not been reported in the literature in individuals affected with SBF2-related conditions. An algorithm developed to predict the effect of missense changes on protein structure and function (PolyPhen-2) suggests that this variant is likely to be disruptive. In summary, the available evidence is currently insufficient to determine the role of this variant in disease. Therefore, it has been classified as a Variant of Uncertain Significance.